The following is an entry in ClinVar:

ClinVar aggregate classification (germline): Uncertain significance (1 of 4 stars; one submission).

Conditions:
Muscular dystrophy. Identifiers: Orphanet 98473, MedGen C0026850, MeSH D009136, MONDO:0020121, HP:0003560.

Allele frequency attached by ClinVar (database versions not stated): gnomAD exomes below 0.00001.
gnomAD v4.1: 1 of 1,614,038 alleles (0.000062%); highest among the groups gnomAD compares: Non-Finnish European, 0.000085%; no homozygotes.

Submission:

Human Genetics Bochum, Ruhr University Bochum
Classification: Uncertain significance for Muscular dystrophy. Last evaluated: 2022-11-22. Review status: criteria provided, single submitter. Criteria: ACMG Guidelines, 2015. Collection method: clinical testing. Allele origin: germline. Affected: yes.
Comment: ACMG criteria used to clasify this variant: PM2, PP3

NM_000426.4(LAMA2):c.9083T>A (p.Val3028Asp)

Gene: LAMA2 (laminin subunit alpha 2; plus strand). Cytogenetic location: 6q22.33.
Variant type: single nucleotide variant.
Coding change: c.9083T>A on transcript NM_000426.4 (MANE Select); coding-DNA position 9083, T replaced by A.
Protein change: p.Val3028Asp; replaces valine 3028 with aspartic acid.
Molecular consequence: missense variant.
Genome position (GRCh38, 1-based): chr6:129,514,467, T>A. VCF-style: chr6-129514467-T-A. GRCh37 (hg19) VCF-style: chr6-129835612-T-A.
Other names: c.9071T>A, p.Val3024Asp (NM_001079823.2); short protein forms V3024D, V3028D.
Identifiers: ClinVar variation 1810277 (VCV001810277.1), dbSNP rs2533599141, ClinGen allele CA365636896.
Genomic context (GRCh38, chr6:129,514,467, plus strand): 5'-TCACTGCTGTCTATGATGCTGGGGTTCCAGGGCATTTGTGTGATGGACAATGGCATAAAG[T>A]CACTGCCAACAAGATCAAACACCGCATTGAGCTCACAGTCGATGGGAACCAGGTGGAAGC-3'
Protein context (NP_000417.3, residues 3018-3038): GHLCDGQWHK[Val3028Asp]TANKIKHRIE